The following is an entry in ClinVar:

ClinVar aggregate classification (germline): Uncertain significance (1 of 4 stars; one submission).

Conditions:
Neurodevelopmental disorder with or without variable brain abnormalities; NEDBA. Also called: NEURODEVELOPMENTAL DISORDER WITH OR WITHOUT VARIABLE BRAIN ABNORMALITIES. Identifiers: MedGen C5193102, MONDO:0032755, OMIM 618443.

Submission:

Laboratorio de Genetica e Diagnostico Molecular, Hospital Israelita Albert Einstein
Classification: Uncertain significance for Neurodevelopmental disorder with or without variable brain abnormalities; NEDBA. Last evaluated: 2025-12-16. Review status: criteria provided, single submitter. Criteria: ACMG Guidelines, 2015. Collection method: clinical testing. Allele origin: germline. Affected: yes.
Comment: ACMG classification criteria: PM2 supporting, PP2 supporting, BP4 supporting

NM_001318852.2(MAPK8IP3):c.880C>A (p.Gln294Lys)

Gene: MAPK8IP3 (mitogen-activated protein kinase 8 interacting protein 3; plus strand). Cytogenetic location: 16p13.3.
Variant type: single nucleotide variant.
Coding change: c.880C>A on transcript NM_001318852.2 (MANE Select); coding-DNA position 880, C replaced by A.
Protein change: p.Gln294Lys; replaces glutamine 294 with lysine.
Molecular consequence: missense variant.
Genome position (GRCh38, 1-based): chr16:1,747,161, C>A. VCF-style: chr16-1747161-C-A. GRCh37 (hg19) VCF-style: chr16-1797162-C-A.
Other names: c.877C>A, p.Gln293Lys (NM_001040439.2, NM_015133.5); short protein forms Q293K, Q294K.
Identifiers: ClinVar variation 4846844 (VCV004846844.1).